The following is an entry in ClinVar:

ClinVar aggregate classification (germline): Likely pathogenic (1 of 4 stars; one submission).

Submission:

Labcorp Genetics (formerly Invitae), Labcorp
Classification: Likely pathogenic. Last evaluated: 2021-12-21. Review status: criteria provided, single submitter. Criteria: Invitae Variant Classification Sherloc (09022015). Collection method: clinical testing. Allele origin: germline.
Comment: This missense change has been observed in individual(s) with clinical features of albinism (Invitae). In at least one individual the data is consistent with being in trans (on the opposite chromosome) from a pathogenic variant. Advanced modeling of protein sequence and biophysical properties (such as structural, functional, and spatial information, amino acid conservation, physicochemical variation, residue mobility, and thermodynamic stability) performed at Invitae indicates that this missense variant is expected to disrupt OCA2 protein function. In summary, the currently available evidence indicates that the variant is pathogenic, but additional data are needed to prove that conclusively. Therefore, this variant has been classified as Likely Pathogenic. This variant is not present in population databases (gnomAD no frequency). This sequence change replaces valine, which is neutral and non-polar, with aspartic acid, which is acidic and polar, at codon 467 of the OCA2 protein (p.Val467Asp).

NM_000275.3(OCA2):c.1400T>A (p.Val467Asp)

Gene: OCA2 (OCA2 melanosomal transmembrane protein; minus strand). Cytogenetic location: 15q13.1.
Variant type: single nucleotide variant.
Coding change: c.1400T>A on transcript NM_000275.3 (MANE Select); coding-DNA position 1400, T replaced by A.
Protein change: p.Val467Asp; replaces valine 467 with aspartic acid.
Molecular consequence: missense variant.
Genome position (GRCh38, 1-based): chr15:27,983,448, A>T on the plus strand (T>A on the coding strand, the complement: OCA2 is on the minus strand). VCF-style: chr15-27983448-A-T. GRCh37 (hg19) VCF-style: chr15-28228594-A-T.
Other names: c.1328T>A, p.Val443Asp (NM_001300984.2); short protein forms V443D, V467D.
Identifiers: ClinVar variation 1486097 (VCV001486097.6), dbSNP rs2140965404, ClinGen allele CA391359668.